The following is an entry in ClinVar:

ClinVar aggregate classification (germline): Uncertain significance (1 of 4 stars; one submission).

Allele frequency attached by ClinVar (database versions not stated): gnomAD exomes below 0.00001; ExAC 0.00002.
gnomAD v4.1: 3 of 1,613,964 alleles (0.00019%); highest among the groups gnomAD compares: East Asian, 0.0022%; no homozygotes.

Submission:

Labcorp Genetics (formerly Invitae), Labcorp
Classification: Uncertain significance. Last evaluated: 2024-08-20. Review status: criteria provided, single submitter. Criteria: Invitae Variant Classification Sherloc (09022015). Collection method: clinical testing. Allele origin: germline.
Comment: This sequence change replaces proline, which is neutral and non-polar, with leucine, which is neutral and non-polar, at codon 2693 of the COL7A1 protein (p.Pro2693Leu). This variant is present in population databases (rs777496090, gnomAD 0.02%). This variant has not been reported in the literature in individuals affected with COL7A1-related conditions. ClinVar contains an entry for this variant (Variation ID: 2148147). Invitae Evidence Modeling of protein sequence and biophysical properties (such as structural, functional, and spatial information, amino acid conservation, physicochemical variation, residue mobility, and thermodynamic stability) indicates that this missense variant is not expected to disrupt COL7A1 protein function with a negative predictive value of 95%. In summary, the available evidence is currently insufficient to determine the role of this variant in disease. Therefore, it has been classified as a Variant of Uncertain Significance.

NM_000094.4(COL7A1):c.8078C>T (p.Pro2693Leu)

Gene: COL7A1 (collagen type VII alpha 1 chain; minus strand). Cytogenetic location: 3p21.31.
Variant type: single nucleotide variant.
Coding change: c.8078C>T on transcript NM_000094.4 (MANE Select); coding-DNA position 8078, C replaced by T.
Protein change: p.Pro2693Leu; replaces proline 2693 with leucine.
Molecular consequence: missense variant.
Genome position (GRCh38, 1-based): chr3:48,567,159, G>A on the plus strand (C>T on the coding strand, the complement: COL7A1 is on the minus strand). VCF-style: chr3-48567159-G-A. GRCh37 (hg19) VCF-style: chr3-48604592-G-A.
Other names: short protein forms P2693L.
Identifiers: ClinVar variation 2148147 (VCV002148147.3), dbSNP rs777496090, ClinGen allele CA2378172.